The following is an entry in ClinVar:

ClinVar aggregate classification (germline): Pathogenic (1 of 4 stars; one submission).

Submission:

Labcorp Genetics (formerly Invitae), Labcorp
Classification: Pathogenic. Last evaluated: 2024-11-14. Review status: criteria provided, single submitter. Criteria: Invitae Variant Classification Sherloc (09022015). Collection method: clinical testing. Allele origin: germline.
Comment: This sequence change creates a premature translational stop signal (p.Ala197Serfs*8) in the ASNS gene. It is expected to result in an absent or disrupted protein product. Loss-of-function variants in ASNS are known to be pathogenic (PMID: 27422383, 30057589). This variant is not present in population databases (gnomAD no frequency). This variant has not been reported in the literature in individuals affected with ASNS-related conditions. Algorithms developed to predict the effect of sequence changes on RNA splicing suggest that this variant may disrupt the consensus splice site. For these reasons, this variant has been classified as Pathogenic.

Literature cited by the submitters: PubMed 27422383; PubMed 30057589.

NM_001673.5(ASNS):c.584_587dup (p.Ala197fs)

Genes: ASNS (asparagine synthetase (glutamine-hydrolyzing); minus strand), CZ1P-ASNS (CZ1P-ASNS readthrough; minus strand). Cytogenetic location: 7q21.3.
Variant type: Duplication.
Coding change: c.584_587dup on transcript NM_001673.5 (MANE Select); coding-DNA positions 584 to 587, 4 bases duplicated (AAGT; older notation c.584_587dupAAGT).
Protein change: p.Ala197fs; shifts the reading frame from alanine 197.
Molecular consequence: frameshift variant. On other transcripts: non-coding transcript variant (1).
Genome position (GRCh38, 1-based): chr7:97,859,299-97,859,302, ACTT duplicated on the plus strand (AAGT on the coding strand, the reverse complement: ASNS is on the minus strand). VCF-style (leftmost placement, unchanged base first): chr7-97859298-A-AACTT. GRCh37 (hg19) VCF-style: chr7-97488610-A-AACTT.
Other names: c.521_524dup, p.Ala176fs (NM_001178075.2); c.335_338dup, p.Ala114fs (NM_001178076.2, NM_001178077.1); c.584_587dup, p.Ala197fs (NM_001352496.2, NM_133436.3, NM_183356.4); short protein forms A114fs, A176fs, A197fs.
Identifiers: ClinVar variation 3651927 (VCV003651927.2).